The following is an entry in ClinVar:

ClinVar aggregate classification (germline): Uncertain significance (1 of 4 stars; one submission).

Conditions:
Familial adenomatous polyposis 1 (FAP1). Also called: FAMILIAL ADENOMATOUS POLYPOSIS 1, ATTENUATED; POLYPOSIS, ADENOMATOUS INTESTINAL. Identifiers: MedGen C2713442, MONDO:0021056, OMIM 175100. Disease mechanism: loss of function.

Submission:

St. Jude Molecular Pathology, St. Jude Children's Research Hospital
Classification: Uncertain significance for Familial adenomatous polyposis 1. Last evaluated: 2024-05-29. Review status: criteria provided, single submitter. Criteria: St. Jude Assertion Criteria 2020. Collection method: clinical testing. Allele origin: germline.
Comment: The APC c.3721G>C (p.Gly1241Arg) missense change is absent in gnomAD v2.1.1. The in silico tool REVEL is inconclusive about a pathogenic or benign effect of this variant on protein function and functional studies have not been performed on this variant. To our knowledge, this variant has not been reported in individuals with APC-related familial adenomatous polyposis or attenuated familial adenomatous polyposis. In summary, the evidence currently available is insufficient to determine the clinical significance of this variant. It has therefore been classified as of uncertain significance.

NM_000038.6(APC):c.3721G>C (p.Gly1241Arg)

Gene: APC (APC regulator of Wnt signaling pathway; plus strand). Cytogenetic location: 5q22.2.
Variant type: single nucleotide variant.
Coding change: c.3721G>C on transcript NM_000038.6 (MANE Select); coding-DNA position 3721, G replaced by C.
Protein change: p.Gly1241Arg; replaces glycine 1241 with arginine.
Molecular consequence: missense variant. On other transcripts: non-coding transcript variant (2).
Genome position (GRCh38, 1-based): chr5:112,839,315, G>C. VCF-style: chr5-112839315-G-C. GRCh37 (hg19) VCF-style: chr5-112175012-G-C.
Other names: c.3721G>C, p.Gly1241Arg (NM_001127510.3, NM_001354895.2, NM_001407450.1); c.3667G>C, p.Gly1223Arg (NM_001127511.3); c.3775G>C, p.Gly1259Arg (NM_001354896.2, NM_001407447.1, NM_001407448.1 and 1 more transcripts); c.3751G>C, p.Gly1251Arg (NM_001354897.2); c.3646G>C, p.Gly1216Arg (NM_001354898.2); c.3637G>C, p.Gly1213Arg (NM_001354899.2); c.3598G>C, p.Gly1200Arg (NM_001354900.2); c.3544G>C, p.Gly1182Arg (NM_001354901.2, NM_001407453.1); and 11 more; short protein forms G1081R, G1112R, G1115R, G1140R, G1150R, G1158R, G1182R, G1200R.
Identifiers: ClinVar variation 3377784 (VCV003377784.1).